The following is an entry in ClinVar:

NM_004370.6(COL12A1):c.1889A>G (p.Lys630Arg)

Gene: COL12A1 (collagen type XII alpha 1 chain; minus strand). Cytogenetic location: 6q13.
Variant type: single nucleotide variant.
Coding change: c.1889A>G on transcript NM_004370.6 (MANE Select); coding-DNA position 1889, A replaced by G.
Protein change: p.Lys630Arg; replaces lysine 630 with arginine.
Molecular consequence: missense variant. On other transcripts: intron variant (2).
Genome position (GRCh38, 1-based): chr6:75,183,052, T>C on the plus strand (A>G on the coding strand, the complement: COL12A1 is on the minus strand). VCF-style: chr6-75183052-T-C. GRCh37 (hg19) VCF-style: chr6-75892768-T-C.
Other names: c.1889A>G, p.Lys630Arg (NM_001424114.1, NM_001424115.1, NM_001424113.1); c.73+19668A>G (NM_001424116.1, NM_080645.3); short protein forms K630R.
Identifiers: ClinVar variation 4784084 (VCV004784084.1).

ClinVar aggregate classification (germline): Uncertain significance (1 of 4 stars; one submission).

Conditions:
Ullrich congenital muscular dystrophy 2 (UCMD2). Identifiers: Orphanet 75840, MedGen C4225314, MONDO:0014654, OMIM 616470.
Bethlem myopathy 2 (BTHLM2). Identifiers: Orphanet 536516, Orphanet 610, MedGen C4225313, MONDO:0034022, OMIM 616471.

Submission:

Labcorp Genetics (formerly Invitae), Labcorp
Classification: Uncertain significance for Bethlem myopathy 2; Ullrich congenital muscular dystrophy 2. Last evaluated: 2025-02-06. Review status: criteria provided, single submitter. Criteria: Invitae Variant Classification Sherloc (09022015). Collection method: clinical testing. Allele origin: germline.
Comment: This sequence change replaces lysine, which is basic and polar, with arginine, which is basic and polar, at codon 630 of the COL12A1 protein (p.Lys630Arg). This variant is not present in population databases (gnomAD no frequency). This variant has not been reported in the literature in individuals affected with COL12A1-related conditions. An algorithm developed to predict the effect of missense changes on protein structure and function (PolyPhen-2) suggests that this variant is likely to be disruptive. In summary, the available evidence is currently insufficient to determine the role of this variant in disease. Therefore, it has been classified as a Variant of Uncertain Significance.